The following is an entry in ClinVar:

NM_001323289.2(CDKL5):c.751delinsTC (p.Ala251fs)

Gene: CDKL5 (cyclin dependent kinase like 5; plus strand). Cytogenetic location: Xp22.13.
Variant type: Indel.
Coding change: c.751delinsTC on transcript NM_001323289.2 (MANE Select); coding-DNA position 751, G replaced by TC.
Protein change: p.Ala251fs; shifts the reading frame from alanine 251.
Molecular consequence: frameshift variant.
Genome position (GRCh38, 1-based): chrX:18,595,354, G replaced by TC. VCF-style: chrX-18595354-G-TC. GRCh37 (hg19) VCF-style: chrX-18613474-G-TC.
Other names: c.751delinsTC, p.Ala251fs (NM_001037343.2, NM_003159.3); short protein forms A251fs.
Identifiers: ClinVar variation 523629 (VCV000523629.4), dbSNP rs1555951141, ClinGen allele CA658799606.

ClinVar aggregate classification (germline): Pathogenic (1 of 4 stars; one submission).

Conditions:
Developmental and epileptic encephalopathy. Identifiers: MedGen C5779964, MONDO:0100620.

Submission:

Center of Genomic medicine, Geneva, University Hospital of Geneva
Classification: Pathogenic for Early-infantile DEE. Last evaluated: 2018-01-15. Review status: criteria provided, single submitter. Criteria: ACMG Guidelines, 2015. Collection method: clinical testing. Allele origin: de novo. Affected: yes.